The following is an entry in ClinVar:

ClinVar aggregate classification (germline): Uncertain significance (1 of 4 stars; one submission).

Conditions:
Charcot-Marie-Tooth disease type 2. Also called: Charcot-Marie-Tooth type 2. Identifiers: Orphanet 64746, MedGen C0270914, MONDO:0018993.

gnomAD v4.1: 2 of 1,614,064 alleles (0.00012%); highest among the groups gnomAD compares: Non-Finnish European, 0.00017%; no homozygotes.

Submission:

Labcorp Genetics (formerly Invitae), Labcorp
Classification: Uncertain significance for Charcot-Marie-Tooth disease type 2. Last evaluated: 2024-09-17. Review status: criteria provided, single submitter. Criteria: Invitae Variant Classification Sherloc (09022015). Collection method: clinical testing. Allele origin: germline.
Comment: This sequence change falls in intron 7 of the MFN2 gene. It does not directly change the encoded amino acid sequence of the MFN2 protein. This variant is present in population databases (rs766218975, gnomAD 0.002%). This variant has not been reported in the literature in individuals affected with MFN2-related conditions. Algorithms developed to predict the effect of sequence changes on RNA splicing suggest that this variant may disrupt the consensus splice site. In summary, the available evidence is currently insufficient to determine the role of this variant in disease. Therefore, it has been classified as a Variant of Uncertain Significance.

NM_014874.4(MFN2):c.709-11C>A

Gene: MFN2 (mitofusin 2; plus strand). Cytogenetic location: 1p36.22.
Variant type: single nucleotide variant.
Coding change: c.709-11C>A on transcript NM_014874.4 (MANE Select); 11 bases into the intron before coding-DNA position 709, C replaced by A.
Molecular consequence: intron variant.
Genome position (GRCh38, 1-based): chr1:11,998,977, C>A. VCF-style: chr1-11998977-C-A. GRCh37 (hg19) VCF-style: chr1-12059034-C-A.
Other names: c.709-11C>A (NM_001127660.2).
Identifiers: ClinVar variation 3703934 (VCV003703934.2).